The following is an entry in ClinVar:

ClinVar aggregate classification (germline): Uncertain significance. Review status: criteria provided, multiple submitters, no conflicts (2 of 4 stars). 2 submissions from 2 submitters: Uncertain significance (2). Last evaluated 2023-06-15.

Submissions (2):

Labcorp Genetics (formerly Invitae), Labcorp
Classification: Uncertain significance. Last evaluated: 2023-06-15. Review status: criteria provided, single submitter. Criteria: Invitae Variant Classification Sherloc (09022015). Collection method: clinical testing. Allele origin: germline.
Comment: This sequence change replaces threonine, which is neutral and polar, with lysine, which is basic and polar, at codon 240 of the NTHL1 protein (p.Thr240Lys). This variant is not present in population databases (gnomAD no frequency). This variant has not been reported in the literature in individuals affected with NTHL1-related conditions. ClinVar contains an entry for this variant (Variation ID: 1310009). An algorithm developed to predict the effect of missense changes on protein structure and function (PolyPhen-2) suggests that this variant is likely to be disruptive. Algorithms developed to predict the effect of sequence changes on RNA splicing suggest that this variant may disrupt the consensus splice site. In summary, the available evidence is currently insufficient to determine the role of this variant in disease. Therefore, it has been classified as a Variant of Uncertain Significance.

GeneDx
Classification: Uncertain significance. Last evaluated: 2019-10-30. Review status: criteria provided, single submitter. Criteria: GeneDx Variant Classification Process June 2021. Collection method: clinical testing. Allele origin: germline. Affected: yes.
Comment: Has not been previously published as pathogenic or benign to our knowledge; Not observed in large population cohorts (Lek 2016); In silico analysis, which includes protein predictors and evolutionary conservation, supports a deleterious effect

NM_002528.7(NTHL1):c.695C>A (p.Thr232Lys)

Gene: NTHL1 (nth like DNA glycosylase 1; minus strand). Cytogenetic location: 16p13.3.
Variant type: single nucleotide variant.
Coding change: c.695C>A on transcript NM_002528.7 (MANE Select); coding-DNA position 695, C replaced by A.
Protein change: p.Thr232Lys; replaces threonine 232 with lysine.
Molecular consequence: missense variant.
Genome position (GRCh38, 1-based): chr16:2,040,229, G>T on the plus strand (C>A on the coding strand, the complement: NTHL1 is on the minus strand). VCF-style: chr16-2040229-G-T. GRCh37 (hg19) VCF-style: chr16-2090230-G-T.
Other names: c.524C>A, p.Thr175Lys (NM_001318193.2); c.365C>A, p.Thr122Lys (NM_001318194.2); short protein forms T122K, T175K, T232K.
Identifiers: ClinVar variation 1310009 (VCV001310009.5), dbSNP rs1308474938, ClinGen allele CA394289331.